The following is an entry in ClinVar:

ClinVar aggregate classification (germline): Conflicting classifications of pathogenicity. Review status: criteria provided, conflicting classifications (1 of 4 stars). 3 submissions from 3 submitters: Uncertain significance (2); Likely benign (1). Last evaluated 2023-03-23.

Conditions:
Hereditary cancer-predisposing syndrome. Also called: Tumor predisposition; Hereditary neoplastic syndrome; Hereditary Cancer Syndrome; Neoplastic Syndromes, Hereditary. Identifiers: Orphanet 140162, MedGen C0027672, MeSH D009386, MONDO:0015356.

Submissions (3):

University of Washington Department of Laboratory Medicine, University of Washington
Classification: Likely benign for Hereditary cancer-predisposing syndrome. Last evaluated: 2023-03-23. Review status: criteria provided, single submitter. Criteria: Dines et al. (Genet Med. 2020). Collection method: curation. Allele origin: germline.
Comment: Missense variant in a coldspot region where missense variants are very unlikely to be pathogenic (PMID:31911673).

BRCA1 coldspot (exon 11 using historical exon numbering). Reclassification based on statistical prior probability

Ambry Genetics
Classification: Uncertain significance for Hereditary cancer-predisposing syndrome. Last evaluated: 2023-03-19. Review status: criteria provided, single submitter. Criteria: Ambry Variant Classification Scheme 2023. Collection method: clinical testing. Allele origin: germline.
Comment: The p.V920L variant (also known as c.2758G>C), located in coding exon 9 of the BRCA1 gene, results from a G to C substitution at nucleotide position 2758. The valine at codon 920 is replaced by leucine, an amino acid with highly similar properties. This amino acid position is conserved. In addition, this alteration is predicted to be tolerated by in silico analysis. Since supporting evidence is limited at this time, the clinical significance of this alteration remains unclear.

Color Diagnostics, LLC DBA Color Health
Classification: Uncertain significance for Hereditary cancer-predisposing syndrome. Last evaluated: 2020-11-02. Review status: criteria provided, single submitter. Criteria: ACMG Guidelines, 2015. Collection method: clinical testing. Allele origin: germline.
Comment: This missense variant replaces valine with leucine at codon 920 of the BRCA1 protein. Computational prediction suggests that this variant may not impact protein structure and function (internally defined REVEL score threshold <= 0.5, PMID: 27666373). To our knowledge, functional studies have not been reported for this variant. This variant has not been reported in individuals affected with hereditary cancer in the literature. This variant has not been identified in the general population by the Genome Aggregation Database (gnomAD). The available evidence is insufficient to determine the role of this variant in disease conclusively. Therefore, this variant is classified as a Variant of Uncertain Significance.

NM_007294.4(BRCA1):c.2758G>C (p.Val920Leu)

Gene: BRCA1 (BRCA1 DNA repair associated; minus strand). Cytogenetic location: 17q21.31.
Variant type: single nucleotide variant.
Coding change: c.2758G>C on transcript NM_007294.4 (MANE Select); coding-DNA position 2758, G replaced by C.
Protein change: p.Val920Leu; replaces valine 920 with leucine.
Molecular consequence: missense variant. On other transcripts: intron variant (137).
Genome position (GRCh38, 1-based): chr17:43,092,773, C>G on the plus strand (G>C on the coding strand, the complement: BRCA1 is on the minus strand). VCF-style: chr17-43092773-C-G. GRCh37 (hg19) VCF-style: chr17-41244790-C-G.
Other names: c.2677G>C, p.Val893Leu (NM_001407659.1, NM_001407660.1, NM_001407661.1 and 1 more transcripts); c.788-1741G>C (NM_001408472.1, NM_001407990.1, NM_007299.4 and 17 more transcripts); c.524-1741G>C (NM_001408501.1, NM_001408498.1, NM_001408500.1 and 3 more transcripts); c.788-634G>C (NM_001407969.1, NM_001407968.1); c.644-1741G>C (NM_001408468.1, NM_001408470.1, NM_001408464.1 and 3 more transcripts); c.647-1741G>C (NM_001408455.1, NM_001408458.1, NM_001408469.1 and 11 more transcripts); c.578-1741G>C (NM_001408513.1, NM_001408492.1, NM_001408481.1 and 9 more transcripts); c.2635G>C, p.Val879Leu (NM_001407665.1, NM_001407666.1, NM_001407664.1 and 19 more transcripts); and 41 more; short protein forms V873L, V920L, V752L, V849L, V878L, V793L, V808L, V809L.
Identifiers: ClinVar variation 1171577 (VCV001171577.7), dbSNP rs80357361, ClinGen allele CA10596475.